The following is an entry in ClinVar:

ClinVar aggregate classification (germline): Uncertain significance (1 of 4 stars; one submission).

Allele frequency attached by ClinVar (database versions not stated): gnomAD exomes below 0.00001.
gnomAD v4.1: 1 of 1,551,446 alleles (0.000064%); highest among the groups gnomAD compares: African/African-American, 0.0014%; no homozygotes.

Submission:

CeGaT Center for Human Genetics Tuebingen
Classification: Uncertain significance. Last evaluated: 2023-09-01. Review status: criteria provided, single submitter. Criteria: CeGaT Center For Human Genetics Tuebingen Variant Classification Criteria Version 2. Collection method: clinical testing. Allele origin: germline. Affected: yes. Observed: 1 variant allele.
Comment: ZSWIM6: PM2, PP4

NM_020928.2(ZSWIM6):c.2558A>C (p.Glu853Ala)

Gene: ZSWIM6 (zinc finger SWIM-type containing 6; plus strand). Cytogenetic location: 5q12.1.
Variant type: single nucleotide variant.
Coding change: c.2558A>C on transcript NM_020928.2 (MANE Select); coding-DNA position 2558, A replaced by C.
Protein change: p.Glu853Ala; replaces glutamic acid 853 with alanine.
Molecular consequence: missense variant.
Genome position (GRCh38, 1-based): chr5:61,539,614, A>C. VCF-style: chr5-61539614-A-C. GRCh37 (hg19) VCF-style: chr5-60835441-A-C.
Other names: short protein forms E853A.
Identifiers: ClinVar variation 2655485 (VCV002655485.24), dbSNP rs2478393653, ClinGen allele CA359945618.